The following is an entry in ClinVar:

NM_017780.4(CHD7):c.1870G>A (p.Val624Ile)

Genes: CHD7 (chromodomain helicase DNA binding protein 7; plus strand), LOC126860403 (CDK7 strongly-dependent group 2 enhancer GRCh37_chr8:61693034-61694233; plus strand). Cytogenetic location: 8q12.2.
Variant type: single nucleotide variant.
Coding change: c.1870G>A on transcript NM_017780.4 (MANE Select); coding-DNA position 1870, G replaced by A.
Protein change: p.Val624Ile; replaces valine 624 with isoleucine.
Molecular consequence: missense variant. On other transcripts: intron variant (1).
Genome position (GRCh38, 1-based): chr8:60,781,204, G>A. VCF-style: chr8-60781204-G-A. GRCh37 (hg19) VCF-style: chr8-61693763-G-A.
Other names: c.1870G>A (NM_017780.3); c.1716+154G>A (NM_001316690.1); short protein forms V624I.
Identifiers: ClinVar variation 3004551 (VCV003004551.4), dbSNP rs765870281, ClinGen allele CA4759580.

ClinVar aggregate classification (germline): Uncertain significance. Review status: criteria provided, multiple submitters, no conflicts (2 of 4 stars). 2 submissions from 2 submitters: Uncertain significance (2). Last evaluated 2025-06-23.

Conditions:
Inborn genetic diseases. Identifiers: MedGen C0950123, MeSH D030342.
CHARGE syndrome (CHARGE). Also called: Hittner Hirsch Kreh syndrome; CHARGE ASSOCIATION--COLOBOMA, HEART ANOMALY, CHOANAL ATRESIA, RETARDATION, GENITAL AND EAR ANOMALIES; Coloboma, heart anomaly, choanal atresia, retardation, genital and ear anomalies; CHARGE association; Hall-Hittner syndrome. Identifiers: Orphanet 138, MedGen C0265354, MONDO:0008965.

Allele frequency attached by ClinVar (database versions not stated): gnomAD 0.00001; ExAC 0.00002; TOPMed 0.00003.
gnomAD v4.1: 10 of 1,599,260 alleles (0.00063%); highest among the groups gnomAD compares: African/African-American, 0.004%; no homozygotes.

Submissions (2):

Labcorp Genetics (formerly Invitae), Labcorp
Classification: Uncertain significance for CHARGE syndrome. Last evaluated: 2025-06-23. Review status: criteria provided, single submitter. Criteria: Invitae Variant Classification Sherloc (09022015). Collection method: clinical testing. Allele origin: germline.
Comment: This sequence change replaces valine, which is neutral and non-polar, with isoleucine, which is neutral and non-polar, at codon 624 of the CHD7 protein (p.Val624Ile). The frequency data for this variant in the population databases is considered unreliable, as metrics indicate poor data quality at this position in the gnomAD database. This variant has not been reported in the literature in individuals affected with CHD7-related conditions. ClinVar contains an entry for this variant (Variation ID: 3004551). Invitae Evidence Modeling of protein sequence and biophysical properties (such as structural, functional, and spatial information, amino acid conservation, physicochemical variation, residue mobility, and thermodynamic stability) indicates that this missense variant is not expected to disrupt CHD7 protein function with a negative predictive value of 95%. In summary, the available evidence is currently insufficient to determine the role of this variant in disease. Therefore, it has been classified as a Variant of Uncertain Significance.

Ambry Genetics
Classification: Uncertain significance for Inborn genetic diseases. Last evaluated: 2024-07-27. Review status: criteria provided, single submitter. Criteria: Ambry Variant Classification Scheme 2023. Collection method: clinical testing. Allele origin: germline.